The following is an entry in ClinVar:

ClinVar aggregate classification (germline): Benign/Likely benign. Review status: criteria provided, multiple submitters, no conflicts (2 of 4 stars). 2 submissions from 2 submitters: Benign (1); Likely benign (1). Last evaluated 2026-06-24.

Conditions:
Retinoblastoma (RB1). Also called: RETINOBLASTOMA, SOMATIC. Identifiers: Orphanet 790, MedGen C0035335, MeSH D012175, MONDO:0008380, OMIM 180200, HP:0009919. Disease mechanism: loss of function. Inheritance: Both sporadic and heritable forms are tested..

Submissions (2):

Myriad Genetics, Inc.
Classification: Benign for Retinoblastoma. Last evaluated: 2026-06-24. Review status: criteria provided, single submitter. Criteria: Myriad Autosomal Dominant, Autosomal Recessive and X-Linked Classification Criteria (2023). Collection method: clinical testing. Allele origin: unknown.
Comment: This variant is considered benign. This variant is intronic and is not expected to impact mRNA splicing.

Blueprint Genetics
Classification: Likely benign. Last evaluated: 2024-09-14. Review status: criteria provided, single submitter. Criteria: ACMG Guidelines, 2015. Collection method: clinical testing. Allele origin: germline.

NM_000321.3(RB1):c.1421+26A>T

Gene: RB1 (RB transcriptional corepressor 1; plus strand). Cytogenetic location: 13q14.2.
Variant type: single nucleotide variant.
Coding change: c.1421+26A>T on transcript NM_000321.3 (MANE Select); 26 bases into the intron after coding-DNA position 1421, A replaced by T.
Molecular consequence: intron variant.
Genome position (GRCh38, 1-based): chr13:48,380,110, A>T. VCF-style: chr13-48380110-A-T. GRCh37 (hg19) VCF-style: chr13-48954246-A-T.
Other names: c.1421+26A>T (NM_001407165.1, NM_001407166.1).
Identifiers: ClinVar variation 4875817 (VCV004875817.2).